The following is an entry in ClinVar:

ClinVar aggregate classification (germline): Pathogenic. Review status: criteria provided, single submitter (1 of 4 stars). 3 submissions from 3 submitters: Pathogenic (1). 1 of the submissions does not count toward it. Last evaluated 2025-09-23.

Conditions:
Van der Woude syndrome. Identifiers: Orphanet 888, MedGen C0175697, MONDO:0019508.
Orofacial cleft 6, susceptibility to (OFC6). Also called: CLEFT LIP WITH OR WITHOUT CLEFT PALATE, NONSYNDROMIC, 6. Identifiers: MedGen C1837213, MONDO:0012141, OMIM 608864.
Popliteal pterygium syndrome (PPS). Identifiers: Orphanet 294963, MedGen C0265259, MONDO:0017435.
Van der Woude syndrome 1. Also called: CLEFT LIP AND/OR PALATE WITH MUCOUS CYSTS OF LOWER LIP; van der Woude Syndrome (VWS). Identifiers: MedGen C4551864, MONDO:0007333, OMIM 119300.

Submissions (2):

Labcorp Genetics (formerly Invitae), Labcorp
Classification: Pathogenic for Orofacial cleft 6, susceptibility to; Van der Woude syndrome; Popliteal pterygium syndrome. Last evaluated: 2025-09-23. Review status: criteria provided, single submitter. Criteria: Invitae Variant Classification Sherloc (09022015). Collection method: clinical testing. Allele origin: germline.
Comment: This sequence change creates a premature translational stop signal (p.Glu92*) in the IRF6 gene. It is expected to result in an absent or disrupted protein product. Loss-of-function variants in IRF6 are known to be pathogenic (PMID: 19282774, 23949966). This variant is not present in population databases (gnomAD no frequency). This premature translational stop signal has been observed in individual(s) with Van der Woude syndrome (PMID: 12219090). ClinVar contains an entry for this variant (Variation ID: 3411). For these reasons, this variant has been classified as Pathogenic.

Autoinflammatory diseases unit, CHU de Montpellier
Classification: Pathogenic for Van der Woude syndrome 1. Last evaluated: 2019-01-21. Review status: no assertion criteria provided. Collection method: clinical testing. Allele origin: inherited. Affected: yes. Not counted in ClinVar's aggregate classification.

Literature cited by the submitters: PubMed 19282774 (cited by Labcorp Genetics (formerly Invitae), Labcorp); PubMed 23949966 (cited by Labcorp Genetics (formerly Invitae), Labcorp); PubMed 12219090 (cited by Labcorp Genetics (formerly Invitae), Labcorp and Autoinflammatory diseases unit, CHU de Montpellier).

NM_006147.4(IRF6):c.274G>T (p.Glu92Ter)

Gene: IRF6 (interferon regulatory factor 6; minus strand). Cytogenetic location: 1q32.2.
Variant type: single nucleotide variant.
Coding change: c.274G>T on transcript NM_006147.4 (MANE Select); coding-DNA position 274, G replaced by T.
Protein change: p.Glu92Ter; replaces glutamic acid 92 with a stop codon.
Molecular consequence: nonsense. On other transcripts: 5 prime UTR variant (1).
Genome position (GRCh38, 1-based): chr1:209,796,453, C>A on the plus strand (G>T on the coding strand, the complement: IRF6 is on the minus strand). VCF-style: chr1-209796453-C-A. GRCh37 (hg19) VCF-style: chr1-209969798-C-A.
Other names: c.-12G>T (NM_001206696.2); short protein forms E92*.
Identifiers: ClinVar variation 3411 (VCV000003411.7), dbSNP rs121434224, ClinGen allele CA252750.